The following is an entry in ClinVar:

NM_004655.4(AXIN2):c.2410T>C (p.Tyr804His)

Gene: AXIN2 (axin 2; minus strand). Cytogenetic location: 17q24.1.
Variant type: single nucleotide variant.
Coding change: c.2410T>C on transcript NM_004655.4 (MANE Select); coding-DNA position 2410, T replaced by C.
Protein change: p.Tyr804His; replaces tyrosine 804 with histidine.
Molecular consequence: missense variant.
Genome position (GRCh38, 1-based): chr17:65,530,098, A>G on the plus strand (T>C on the coding strand, the complement: AXIN2 is on the minus strand). VCF-style: chr17-65530098-A-G. GRCh37 (hg19) VCF-style: chr17-63526216-A-G.
Other names: c.2215T>C, p.Tyr739His (NM_001363813.1); short protein forms Y804H, Y739H.
Identifiers: ClinVar variation 5032629 (VCV005032629.1).

ClinVar aggregate classification (germline): Uncertain significance (1 of 4 stars; one submission).

Conditions:
Hereditary cancer-predisposing syndrome. Also called: Neoplastic Syndromes, Hereditary; Tumor predisposition; Hereditary neoplastic syndrome; Hereditary Cancer Syndrome. Identifiers: Orphanet 140162, MedGen C0027672, MeSH D009386, MONDO:0015356.

Submission:

Ambry Genetics
Classification: Uncertain significance for Hereditary cancer-predisposing syndrome. Last evaluated: 2026-07-07. Review status: criteria provided, single submitter. Criteria: Ambry Variant Classification Scheme 2023. Collection method: clinical testing. Allele origin: germline.
Comment: The p.Y804H variant (also known as c.2410T>C), located in coding exon 10 of the AXIN2 gene, results from a T to C substitution at nucleotide position 2410. The tyrosine at codon 804 is replaced by histidine, an amino acid with similar properties. This amino acid position is conserved. In addition, this alteration is predicted to be deleterious by in silico analysis. Based on the available evidence, the clinical significance of this variant remains unclear.